The following is an entry in ClinVar:

ClinVar aggregate classification (germline): Uncertain significance (1 of 4 stars; one submission).

Submission:

Labcorp Genetics (formerly Invitae), Labcorp
Classification: Uncertain significance. Last evaluated: 2018-09-18. Review status: criteria provided, single submitter. Criteria: Invitae Variant Classification Sherloc (09022015). Collection method: clinical testing. Allele origin: germline.
Comment: This sequence change replaces lysine with asparagine at codon 2086 of the NSD1 protein (p.Lys2086Asn). The lysine residue is highly conserved and there is a moderate physicochemical difference between lysine and asparagine. This variant also falls at the last nucleotide of exon 21 of the NSD1 coding sequence, which is part of the consensus splice site for this exon. In summary, the available evidence is currently insufficient to determine the role of this variant in disease. Therefore, it has been classified as a Variant of Uncertain Significance. Nucleotide substitutions within the consensus splice site are a relatively common cause of aberrant splicing (PMID: 17576681, 9536098). Algorithms developed to predict the effect of sequence changes on RNA splicing suggest that this variant may disrupt the consensus splice site, but this prediction has not been confirmed by published transcriptional studies. Algorithms developed to predict the effect of missense changes on protein structure and function are either unavailable or do not agree on the potential impact of this missense change (SIFT: "Deleterious"; PolyPhen-2: "Probably Damaging"; Align-GVGD: "Class C0"). This variant has not been reported in the literature in individuals with NSD1-related disease. This variant is not present in population databases (ExAC no frequency).

Literature cited by the submitters: PubMed 17576681; PubMed 9536098.

NM_022455.5(NSD1):c.6258G>T (p.Lys2086Asn)

Gene: NSD1 (nuclear receptor binding SET domain protein 1; plus strand). Cytogenetic location: 5q35.3.
Variant type: single nucleotide variant.
Coding change: c.6258G>T on transcript NM_022455.5 (MANE Select); coding-DNA position 6258, G replaced by T.
Protein change: p.Lys2086Asn; replaces lysine 2086 with asparagine.
Molecular consequence: missense variant.
Genome position (GRCh38, 1-based): chr5:177,288,925, G>T. VCF-style: chr5-177288925-G-T. GRCh37 (hg19) VCF-style: chr5-176715926-G-T.
Other names: c.5385G>T, p.Lys1795Asn (NM_001365684.2, NM_001409308.1, NM_172349.5); c.6258G>T, p.Lys2086Asn (NM_001409301.1, NM_001409302.1, NM_001409303.1); c.5838G>T, p.Lys1946Asn (NM_001409304.1); c.5505G>T, p.Lys1835Asn (NM_001409305.1); c.5496G>T, p.Lys1832Asn (NM_001409306.1, NM_001409307.1); short protein forms K2086N, K1817N, K1835N, K1946N, K1795N, K1832N.
Identifiers: ClinVar variation 643943 (VCV000643943.9), dbSNP rs1581548127, ClinGen allele CA362318509.